The following is an entry in ClinVar:

NM_004714.3(DYRK1B):c.515A>G (p.Tyr172Cys)

Gene: DYRK1B (dual specificity tyrosine phosphorylation regulated kinase 1B; minus strand). Cytogenetic location: 19q13.2.
Variant type: single nucleotide variant.
Coding change: c.515A>G on transcript NM_004714.3 (MANE Select); coding-DNA position 515, A replaced by G.
Protein change: p.Tyr172Cys; replaces tyrosine 172 with cysteine.
Molecular consequence: missense variant.
Genome position (GRCh38, 1-based): chr19:39,829,885, T>C on the plus strand (A>G on the coding strand, the complement: DYRK1B is on the minus strand). VCF-style: chr19-39829885-T-C. GRCh37 (hg19) VCF-style: chr19-40320525-T-C.
Other names: c.515A>G, p.Tyr172Cys (NM_006483.3, NM_006484.3); short protein forms Y172C.
Identifiers: ClinVar variation 3357362 (VCV003357362.1).

ClinVar aggregate classification (germline): Uncertain significance (0 of 4 stars; one submission).

Conditions:
DYRK1B-related disorder. Also called: DYRK1B-related condition.

gnomAD v4.1: 12 of 1,613,316 alleles (0.00074%); highest among the groups gnomAD compares: Non-Finnish European, 0.000085%; no homozygotes.

Submission:

PreventionGenetics, part of Exact Sciences
Classification: Uncertain significance for DYRK1B-related condition. Last evaluated: 2024-05-09. Review status: no assertion criteria provided. Collection method: clinical testing. Allele origin: germline.
Comment: The DYRK1B c.515A>G variant is predicted to result in the amino acid substitution p.Tyr172Cys. To our knowledge, this variant has not been reported in the literature. This variant is reported in 0.030% of alleles in individuals of Ashkenazi Jewish descent in gnomAD. At this time, the clinical significance of this variant is uncertain due to the absence of conclusive functional and genetic evidence.